The following is an entry in ClinVar:

ClinVar aggregate classification (germline): Uncertain significance. Review status: criteria provided, multiple submitters, no conflicts (2 of 4 stars). 3 submissions from 3 submitters: Uncertain significance (3). Last evaluated 2025-08-18.

Conditions:
Gastrointestinal stromal tumor. Also called: Gastrointestinal stromal tumor, somatic; Gastrointestinal stroma tumor. Identifiers: Orphanet 44890, MedGen C0238198, MeSH D046152, MONDO:0011719, OMIM 606764, HP:0100723.
Hereditary cancer-predisposing syndrome. Also called: Tumor predisposition; Neoplastic Syndromes, Hereditary; Hereditary Cancer Syndrome; Hereditary neoplastic syndrome. Identifiers: Orphanet 140162, MedGen C0027672, MeSH D009386, MONDO:0015356.

Allele frequency attached by ClinVar (database versions not stated): gnomAD exomes below 0.00001; TOPMed below 0.00001; gnomAD 0.00001.
gnomAD v4.1: 5 of 1,614,068 alleles (0.00031%); highest among the groups gnomAD compares: East Asian, 0.0022%; no homozygotes.

Submissions (3):

Ambry Genetics
Classification: Uncertain significance for Hereditary cancer-predisposing syndrome. Last evaluated: 2025-08-18. Review status: criteria provided, single submitter. Criteria: Ambry Variant Classification Scheme 2023. Collection method: clinical testing. Allele origin: germline.
Comment: The p.R888W variant (also known as c.2662C>T), located in coding exon 19 of the KIT gene, results from a C to T substitution at nucleotide position 2662. The arginine at codon 888 is replaced by tryptophan, an amino acid with dissimilar properties. This amino acid position is highly conserved in available vertebrate species. In addition, this alteration is predicted to be deleterious by in silico analysis. Based on the available evidence, the clinical significance of this variant remains unclear.

Labcorp Genetics (formerly Invitae), Labcorp
Classification: Uncertain significance for Gastrointestinal stromal tumor. Last evaluated: 2024-05-21. Review status: criteria provided, single submitter. Criteria: Invitae Variant Classification Sherloc (09022015). Collection method: clinical testing. Allele origin: germline.
Comment: This sequence change replaces arginine, which is basic and polar, with tryptophan, which is neutral and slightly polar, at codon 888 of the KIT protein (p.Arg888Trp). This variant is present in population databases (no rsID available, gnomAD 0.006%). This variant has not been reported in the literature in individuals affected with KIT-related conditions. ClinVar contains an entry for this variant (Variation ID: 1505172). An algorithm developed to predict the effect of missense changes on protein structure and function (PolyPhen-2) suggests that this variant is likely to be disruptive. In summary, the available evidence is currently insufficient to determine the role of this variant in disease. Therefore, it has been classified as a Variant of Uncertain Significance.

Baylor Genetics
Classification: Uncertain significance for Gastrointestinal stromal tumor. Last evaluated: 2023-09-26. Review status: criteria provided, single submitter. Criteria: ACMG Guidelines, 2015. Collection method: clinical testing. Allele origin: unknown.

NM_000222.3(KIT):c.2662C>T (p.Arg888Trp)

Gene: KIT (KIT proto-oncogene, receptor tyrosine kinase; plus strand). Cytogenetic location: 4q12.
Variant type: single nucleotide variant.
Coding change: c.2662C>T on transcript NM_000222.3 (MANE Select); coding-DNA position 2662, C replaced by T.
Protein change: p.Arg888Trp; replaces arginine 888 with tryptophan.
Molecular consequence: missense variant.
Genome position (GRCh38, 1-based): chr4:54,736,786, C>T. VCF-style: chr4-54736786-C-T. GRCh37 (hg19) VCF-style: chr4-55602952-C-T.
Other names: c.2650C>T, p.Arg884Trp (NM_001093772.2, NM_001385292.1); c.2665C>T, p.Arg889Trp (NM_001385284.1); c.2659C>T, p.Arg887Trp (NM_001385285.1); c.2647C>T, p.Arg883Trp (NM_001385286.1); c.2653C>T, p.Arg885Trp (NM_001385288.1); c.2662C>T, p.Arg888Trp (NM_001385290.1); c.2662C>T (NM_000222.2); short protein forms R883W, R887W, R889W, R888W, R884W, R885W.
Identifiers: ClinVar variation 1505172 (VCV001505172.10), dbSNP rs1237984655, ClinGen allele CA356913958.